The following is an entry in ClinVar:

ClinVar aggregate classification (germline): Uncertain significance. Review status: criteria provided, multiple submitters, no conflicts (2 of 4 stars). 2 submissions from 2 submitters: Uncertain significance (2). Last evaluated 2024-12-11.

Conditions:
Inborn genetic diseases. Identifiers: MedGen C0950123, MeSH D030342.
Hyperphosphatasia with impaired intellectual development syndrome 2. Also called: Hyperphosphatasia with intellectual disability syndrome 2; GLYCOSYLPHOSPHATIDYLINOSITOL BIOSYNTHESIS DEFECT 6. Identifiers: Orphanet 247262, MedGen C3553637, MONDO:0013882, OMIM 614749.

Allele frequency attached by ClinVar (database versions not stated): gnomAD 0.00003 and 0.00002; TOPMed 0.00002.
gnomAD v4.1: 3 of 1,614,018 alleles (0.00019%); highest among the groups gnomAD compares: African/African-American, 0.004%; no homozygotes.

Submissions (2):

Ambry Genetics
Classification: Uncertain significance for Inborn genetic diseases. Last evaluated: 2024-12-11. Review status: criteria provided, single submitter. Criteria: Ambry Variant Classification Scheme 2023. Collection method: clinical testing. Allele origin: germline.

Labcorp Genetics (formerly Invitae), Labcorp
Classification: Uncertain significance for Hyperphosphatasia with impaired intellectual development syndrome 2. Last evaluated: 2022-11-01. Review status: criteria provided, single submitter. Criteria: Invitae Variant Classification Sherloc (09022015). Collection method: clinical testing. Allele origin: germline.
Comment: The frequency data for this variant in the population databases is considered unreliable, as metrics indicate poor data quality at this position in the gnomAD database. In summary, the available evidence is currently insufficient to determine the role of this variant in disease. Therefore, it has been classified as a Variant of Uncertain Significance. Algorithms developed to predict the effect of missense changes on protein structure and function output the following: SIFT: "Tolerated"; PolyPhen-2: "Benign"; Align-GVGD: "Class C0". The arginine amino acid residue is found in multiple mammalian species, which suggests that this missense change does not adversely affect protein function. ClinVar contains an entry for this variant (Variation ID: 1514625). This variant has not been reported in the literature in individuals affected with PIGO-related conditions. This sequence change replaces glycine, which is neutral and non-polar, with arginine, which is basic and polar, at codon 53 of the PIGO protein (p.Gly53Arg).

NM_032634.4(PIGO):c.157G>A (p.Gly53Arg)

Gene: PIGO (phosphatidylinositol glycan anchor biosynthesis class O; minus strand). Cytogenetic location: 9p13.3.
Variant type: single nucleotide variant.
Coding change: c.157G>A on transcript NM_032634.4 (MANE Select); coding-DNA position 157, G replaced by A.
Protein change: p.Gly53Arg; replaces glycine 53 with arginine.
Molecular consequence: missense variant.
Genome position (GRCh38, 1-based): chr9:35,095,409, C>T on the plus strand (G>A on the coding strand, the complement: PIGO is on the minus strand). VCF-style: chr9-35095409-C-T. GRCh37 (hg19) VCF-style: chr9-35095406-C-T.
Other names: c.157G>A, p.Gly53Arg (NM_001201484.2, NM_152850.4); c.157G>A (NM_032634.3); short protein forms G53R.
Identifiers: ClinVar variation 1514625 (VCV001514625.9), dbSNP rs1361264867, ClinGen allele CA373324866.
Genomic context (GRCh38, chr9:35,095,409, plus strand): 5'-CCAACACAACCCGCGAAAATCGGGAAGCCATCCAGCAGGCCCCAGGTTTCCCTTGGCTCC[C>T]CCATGGCAGGGACCCAGGGCCTGGGGGCTCTTGGCAGCTGCTATGGTTGGTGAGCTCCAA-3'
Protein context (NP_116023.2, residues 43-63): EPPGPGSLPW[Gly53Arg]SQGKPGACWM